The following is an entry in ClinVar:

NM_139276.3(STAT3):c.2144+9C>G

Gene: STAT3 (signal transducer and activator of transcription 3; minus strand). Cytogenetic location: 17q21.2.
Variant type: single nucleotide variant.
Coding change: c.2144+9C>G on transcript NM_139276.3 (MANE Select); 9 bases into the intron after coding-DNA position 2144, C replaced by G.
Molecular consequence: intron variant.
Genome position (GRCh38, 1-based): chr17:42,317,173, G>C on the plus strand (C>G on the coding strand, the complement: STAT3 is on the minus strand). VCF-style: chr17-42317173-G-C. GRCh37 (hg19) VCF-style: chr17-40469191-G-C.
Other names: c.2045+9C>G (NM_001384989.1); c.2084+9C>G (NM_001384992.1); c.2060+9C>G (NM_001384984.1); c.2141+9C>G (NM_001369519.1, NM_003150.4, NM_001369514.1 and 2 more transcripts); c.2144+9C>G (NM_001369517.1, NM_001369512.1, NM_001369518.1 and 3 more transcripts); c.2066+9C>G (NM_001384985.1); c.2123+9C>G (NM_001384987.1); c.2117+9C>G (NM_001384991.1); and 3 more.
Identifiers: ClinVar variation 2577192 (VCV002577192.1), dbSNP rs2081286657, ClinGen allele CA2260428651.

ClinVar aggregate classification (germline): Uncertain significance (1 of 4 stars; one submission).

Submission:

Women's Health and Genetics/Laboratory Corporation of America, LabCorp
Classification: Uncertain significance. Last evaluated: 2023-07-13. Review status: criteria provided, single submitter. Criteria: LabCorp Variant Classification Summary - May 2015. Collection method: clinical testing. Allele origin: germline.
Comment: Variant summary: STAT3 c.2144+9C>G alters a non-conserved nucleotide located close to a canonical splice site and therefore could affect mRNA splicing, leading to a significantly altered protein sequence. Computational tools predict no significant impact on normal splicing. However, these predictions have yet to be confirmed by functional studies. The variant was absent in 251216 control chromosomes (gnomAD). The available data on variant occurrences in the general population are insufficient to allow any conclusion about variant significance. To our knowledge, no occurrence of c.2144+9C>G in individuals affected with Hyper IgE Syndrome and no experimental evidence demonstrating its impact on protein function have been reported. No submitters have reported clinical-significance assessments for this variant to ClinVar after 2014. Based on the evidence outlined above, the variant was classified as uncertain significance.